The following is an entry in ClinVar:

ClinVar aggregate classification (germline): Uncertain significance (1 of 4 stars; one submission).

Allele frequency attached by ClinVar (database versions not stated): ExAC 0.00001; TOPMed 0.00001; gnomAD 0.00002.

Submission:

Ambry Genetics
Classification: Uncertain significance. Last evaluated: 2024-09-30. Review status: criteria provided, single submitter. Criteria: Ambry Variant Classification Scheme 2023. Collection method: clinical testing. Allele origin: germline.
Comment: The p.M124T variant (also known as c.371T>C), located in coding exon 1 of the PALLD gene, results from a T to C substitution at nucleotide position 371. The methionine at codon 124 is replaced by threonine, an amino acid with similar properties. This amino acid position is conserved. In addition, this alteration is predicted to be tolerated by in silico analysis. Since supporting evidence is limited at this time, the clinical significance of this alteration remains unclear.

NM_001166108.2(PALLD):c.371T>C (p.Met124Thr)

Gene: PALLD (palladin, cytoskeletal associated protein; plus strand). Cytogenetic location: 4q32.3.
Variant type: single nucleotide variant.
Coding change: c.371T>C on transcript NM_001166108.2 (MANE Select); coding-DNA position 371, T replaced by C.
Protein change: p.Met124Thr; replaces methionine 124 with threonine.
Molecular consequence: missense variant.
Genome position (GRCh38, 1-based): chr4:168,511,875, T>C. VCF-style: chr4-168511875-T-C. GRCh37 (hg19) VCF-style: chr4-169433026-T-C.
Other names: c.371T>C, p.Met124Thr (NM_016081.4); short protein forms M124T.
Identifiers: ClinVar variation 1734283 (VCV001734283.3), dbSNP rs570015259, ClinGen allele CA3135350.
Genomic context (GRCh38, chr4:168,511,875, plus strand): 5'-CTCTGGCAGAGAAACAAACTAAGAGTATCTCTTCACCTGTTTCAAAGAGGAAACCTGCCA[T>C]GTCACCCCTGCTCACCAGGCCCAGCTACATCCGGAGCCTCCGAAAGGCTGAAAAGCGTGG-3'
Protein context (NP_001159580.1, residues 114-134): SSPVSKRKPA[Met124Thr]SPLLTRPSYI